The following is an entry in ClinVar:

ClinVar aggregate classification (germline): Uncertain significance. Review status: criteria provided, multiple submitters, no conflicts (2 of 4 stars). 2 submissions from 2 submitters: Uncertain significance (2). Last evaluated 2025-11-05.

Conditions:
Inborn genetic diseases. Identifiers: MedGen C0950123, MeSH D030342.
Baller-Gerold syndrome (BGS). Also called: CRANIOSYNOSTOSIS WITH RADIAL DEFECTS. Identifiers: Orphanet 1225, MedGen C0265308, MONDO:0009039, OMIM 218600.

gnomAD v4.1: 1 of 1,611,786 alleles (0.000062%); highest among the groups gnomAD compares: Non-Finnish European, 0.000085%; no homozygotes.

Submissions (2):

Ambry Genetics
Classification: Uncertain significance for Inborn genetic diseases. Last evaluated: 2025-11-05. Review status: criteria provided, single submitter. Criteria: Ambry Variant Classification Scheme 2023. Collection method: clinical testing. Allele origin: germline.
Comment: The p.L596M variant (also known as c.1786C>A), located in coding exon 11 of the RECQL4 gene, results from a C to A substitution at nucleotide position 1786. The leucine at codon 596 is replaced by methionine, an amino acid with highly similar properties. This amino acid position is conserved. In addition, the in silico prediction for this alteration is inconclusive. Based on the available evidence, the clinical significance of this variant remains unclear.

Labcorp Genetics (formerly Invitae), Labcorp
Classification: Uncertain significance for Baller-Gerold syndrome. Last evaluated: 2025-07-08. Review status: criteria provided, single submitter. Criteria: Invitae Variant Classification Sherloc (09022015). Collection method: clinical testing. Allele origin: germline.
Comment: This sequence change replaces leucine, which is neutral and non-polar, with methionine, which is neutral and non-polar, at codon 596 of the RECQL4 protein (p.Leu596Met). This variant is not present in population databases (gnomAD no frequency). This variant has not been reported in the literature in individuals affected with RECQL4-related conditions. ClinVar contains an entry for this variant (Variation ID: 1442250). Invitae Evidence Modeling of protein sequence and biophysical properties (such as structural, functional, and spatial information, amino acid conservation, physicochemical variation, residue mobility, and thermodynamic stability) indicates that this missense variant is not expected to disrupt RECQL4 protein function with a negative predictive value of 80%. In summary, the available evidence is currently insufficient to determine the role of this variant in disease. Therefore, it has been classified as a Variant of Uncertain Significance.

NM_004260.4(RECQL4):c.1786C>A (p.Leu596Met)

Gene: RECQL4 (RecQ like helicase 4; minus strand). Cytogenetic location: 8q24.3.
Variant type: single nucleotide variant.
Coding change: c.1786C>A on transcript NM_004260.4 (MANE Select); coding-DNA position 1786, C replaced by A.
Protein change: p.Leu596Met; replaces leucine 596 with methionine.
Molecular consequence: missense variant.
Genome position (GRCh38, 1-based): chr8:144,514,281, G>T on the plus strand (C>A on the coding strand, the complement: RECQL4 is on the minus strand). VCF-style: chr8-144514281-G-T. GRCh37 (hg19) VCF-style: chr8-145739665-G-T.
Other names: c.1786C>A (NM_004260.3); short protein forms L596M.
Identifiers: ClinVar variation 1442250 (VCV001442250.7), dbSNP rs2130695683, ClinGen allele CA372680937.